The following is an entry in ClinVar:

NM_003640.5(ELP1):c.3577T>C (p.Ser1193Pro)

Gene: ELP1 (elongator acetyltransferase complex subunit 1; minus strand). Cytogenetic location: 9q31.3.
Variant type: single nucleotide variant.
Coding change: c.3577T>C on transcript NM_003640.5 (MANE Select); coding-DNA position 3577, T replaced by C.
Protein change: p.Ser1193Pro; replaces serine 1193 with proline.
Molecular consequence: missense variant.
Genome position (GRCh38, 1-based): chr9:108,878,746, A>G on the plus strand (T>C on the coding strand, the complement: ELP1 is on the minus strand). VCF-style: chr9-108878746-A-G. GRCh37 (hg19) VCF-style: chr9-111641026-A-G.
Other names: c.3235T>C, p.Ser1079Pro (NM_001318360.2); c.2530T>C, p.Ser844Pro (NM_001330749.2); short protein forms S844P, S1079P, S1193P.
Identifiers: ClinVar variation 4738222 (VCV004738222.1).

ClinVar aggregate classification (germline): Uncertain significance (1 of 4 stars; one submission).

Submission:

Labcorp Genetics (formerly Invitae), Labcorp
Classification: Uncertain significance. Last evaluated: 2025-12-28. Review status: criteria provided, single submitter. Criteria: Invitae Variant Classification Sherloc (09022015). Collection method: clinical testing. Allele origin: germline.
Comment: This sequence change replaces serine, which is neutral and polar, with proline, which is neutral and non-polar, at codon 1193 of the ELP1 protein (p.Ser1193Pro). This variant is not present in population databases (gnomAD no frequency). This variant has not been reported in the literature in individuals affected with ELP1-related conditions. Invitae Evidence Modeling of protein sequence and biophysical properties (such as structural, functional, and spatial information, amino acid conservation, physicochemical variation, residue mobility, and thermodynamic stability) indicates that this missense variant is expected to disrupt ELP1 protein function with a positive predictive value of 80%. In summary, the available evidence is currently insufficient to determine the role of this variant in disease. Therefore, it has been classified as a Variant of Uncertain Significance.